The following is an entry in ClinVar:

NM_001282933.2(ZNF341):c.2192G>A (p.Cys731Tyr)

Genes: ZNF341 (zinc finger protein 341; plus strand), ZNF341-AS1 (ZNF341 antisense RNA 1; minus strand). Cytogenetic location: 20q11.22.
Variant type: single nucleotide variant.
Coding change: c.2192G>A on transcript NM_001282933.2 (MANE Select); coding-DNA position 2192, G replaced by A.
Protein change: p.Cys731Tyr; replaces cysteine 731 with tyrosine.
Molecular consequence: missense variant. On other transcripts: non-coding transcript variant (1).
Genome position (GRCh38, 1-based): chr20:33,791,144, G>A. VCF-style: chr20-33791144-G-A. GRCh37 (hg19) VCF-style: chr20-32378950-G-A.
Other names: c.1922G>A, p.Cys641Tyr (NM_001282935.2); c.2171G>A, p.Cys724Tyr (NM_032819.5); short protein forms C641Y, C724Y, C731Y.
Identifiers: ClinVar variation 1355410 (VCV001355410.3), dbSNP rs766386261, ClinGen allele CA9819732.
Genomic context (GRCh38, chr20:33,791,144, plus strand): 5'-TCCGCTGTGCTGGCTGCGCCAAGGGCTTTTCCCGCCACAAATACCTCAAAGATCACCGCT[G>A]TCGTCTCGGCCCCCAAAAGGACAAGGACCTGCAAACCCGGCGGCCCCCCCAGAGGAGGGC-3'
Protein context (NP_001269862.1, residues 721-741): SRHKYLKDHR[Cys731Tyr]RLGPQKDKDL

ClinVar aggregate classification (germline): Uncertain significance (1 of 4 stars; one submission).

Allele frequency attached by ClinVar (database versions not stated): gnomAD 0.00002; TOPMed 0.00002; gnomAD exomes 0.00003 and 0.00004; ExAC 0.00004.
gnomAD v4.1: 74 of 1,613,142 alleles (0.0046%); highest among the groups gnomAD compares: Non-Finnish European, 0.0053%; no homozygotes.

Submission:

Labcorp Genetics (formerly Invitae), Labcorp
Classification: Uncertain significance. Last evaluated: 2021-09-17. Review status: criteria provided, single submitter. Criteria: Invitae Variant Classification Sherloc (09022015). Collection method: clinical testing. Allele origin: germline.
Comment: This sequence change replaces cysteine with tyrosine at codon 724 of the ZNF341 protein (p.Cys724Tyr). The cysteine residue is highly conserved and there is a large physicochemical difference between cysteine and tyrosine. This variant is present in population databases (rs766386261, ExAC 0.008%). This variant has not been reported in the literature in individuals affected with ZNF341-related conditions. Algorithms developed to predict the effect of missense changes on protein structure and function are either unavailable or do not agree on the potential impact of this missense change (SIFT: "Deleterious"; PolyPhen-2: "Probably Damaging"; Align-GVGD: "Class C0"). In summary, the available evidence is currently insufficient to determine the role of this variant in disease. Therefore, it has been classified as a Variant of Uncertain Significance.